The following is an entry in ClinVar:

NM_000321.3(RB1):c.2760G>A (p.Met920Ile)

Gene: RB1 (RB transcriptional corepressor 1; plus strand). Cytogenetic location: 13q14.2.
Variant type: single nucleotide variant.
Coding change: c.2760G>A on transcript NM_000321.3 (MANE Select); coding-DNA position 2760, G replaced by A.
Protein change: p.Met920Ile; replaces methionine 920 with isoleucine.
Molecular consequence: missense variant.
Genome position (GRCh38, 1-based): chr13:48,480,044, G>A. VCF-style: chr13-48480044-G-A. GRCh37 (hg19) VCF-style: chr13-49054180-G-A.
Other names: c.2760G>A (NM_000321.2); short protein forms M920I.
Identifiers: ClinVar variation 1019187 (VCV001019187.9), dbSNP rs1949528633, ClinGen allele CA388158496.

ClinVar aggregate classification (germline): Uncertain significance. Review status: criteria provided, multiple submitters, no conflicts (2 of 4 stars). 2 submissions from 2 submitters: Uncertain significance (2). Last evaluated 2026-06-26.

Conditions:
Hereditary cancer-predisposing syndrome. Also called: Tumor predisposition; Hereditary Cancer Syndrome; Hereditary neoplastic syndrome; Neoplastic Syndromes, Hereditary. Identifiers: Orphanet 140162, MedGen C0027672, MeSH D009386, MONDO:0015356.
Retinoblastoma (RB1). Also called: RETINOBLASTOMA, SOMATIC. Identifiers: Orphanet 790, MedGen C0035335, MeSH D012175, MONDO:0008380, OMIM 180200, HP:0009919. Disease mechanism: loss of function. Inheritance: Both sporadic and heritable forms are tested..

Submissions (2):

Ambry Genetics
Classification: Uncertain significance for Hereditary cancer-predisposing syndrome. Last evaluated: 2026-06-26. Review status: criteria provided, single submitter. Criteria: Ambry Variant Classification Scheme 2023. Collection method: clinical testing. Allele origin: germline.
Comment: The p.M920I variant (also known as c.2760G>A), located in coding exon 27 of the RB1 gene, results from a G to A substitution at nucleotide position 2760. The methionine at codon 920 is replaced by isoleucine, an amino acid with highly similar properties. This amino acid position is conserved. In addition, this alteration is predicted to be tolerated by in silico analysis. Based on the available evidence, the clinical significance of this variant remains unclear.

Labcorp Genetics (formerly Invitae), Labcorp
Classification: Uncertain significance for Retinoblastoma. Last evaluated: 2024-09-22. Review status: criteria provided, single submitter. Criteria: Invitae Variant Classification Sherloc (09022015). Collection method: clinical testing. Allele origin: germline.
Comment: This sequence change replaces methionine, which is neutral and non-polar, with isoleucine, which is neutral and non-polar, at codon 920 of the RB1 protein (p.Met920Ile). This variant is not present in population databases (gnomAD no frequency). This variant has not been reported in the literature in individuals affected with RB1-related conditions. ClinVar contains an entry for this variant (Variation ID: 1019187). An algorithm developed to predict the effect of missense changes on protein structure and function outputs the following: PolyPhen-2: "Benign". The isoleucine amino acid residue is found in multiple mammalian species, which suggests that this missense change does not adversely affect protein function. RNA analysis performed to evaluate the impact of this missense change on mRNA splicing indicates it does not significantly alter splicing (internal data). In summary, the available evidence is currently insufficient to determine the role of this variant in disease. Therefore, it has been classified as a Variant of Uncertain Significance.